The following is an entry in ClinVar:

ClinVar aggregate classification (germline): Likely pathogenic. Review status: criteria provided, multiple submitters, no conflicts (2 of 4 stars). 2 submissions from 2 submitters: Likely pathogenic (2). Last evaluated 2024-11-05.

Conditions:
Ullrich congenital muscular dystrophy 2 (UCMD2). Identifiers: Orphanet 75840, MedGen C4225314, MONDO:0014654, OMIM 616470.
Bethlem myopathy 2 (BTHLM2). Identifiers: Orphanet 536516, Orphanet 610, MedGen C4225313, MONDO:0034022, OMIM 616471.

Submissions (2):

Labcorp Genetics (formerly Invitae), Labcorp
Classification: Likely pathogenic for Bethlem myopathy 2; Ullrich congenital muscular dystrophy 2. Last evaluated: 2024-11-05. Review status: criteria provided, single submitter. Criteria: Invitae Variant Classification Sherloc (09022015). Collection method: clinical testing. Allele origin: germline.
Comment: This sequence change affects a donor splice site in intron 47 of the COL12A1 gene. It is expected to disrupt RNA splicing. Variants that disrupt the donor or acceptor splice site typically lead to a loss of protein function (PMID: 16199547), and loss-of-function variants in COL12A1 are known to be pathogenic (PMID: 24334604, 28973083). This variant is not present in population databases (gnomAD no frequency). This variant has not been reported in the literature in individuals affected with COL12A1-related conditions. ClinVar contains an entry for this variant (Variation ID: 425389). Algorithms developed to predict the effect of sequence changes on RNA splicing suggest that this variant may disrupt the consensus splice site. In summary, the currently available evidence indicates that the variant is pathogenic, but additional data are needed to prove that conclusively. Therefore, this variant has been classified as Likely Pathogenic.

CeGaT Center for Human Genetics Tuebingen
Classification: Likely pathogenic. Last evaluated: 2016-10-01. Review status: criteria provided, single submitter. Criteria: CeGaT Center For Human Genetics Tuebingen Variant Classification Criteria Version 2. Collection method: clinical testing. Allele origin: germline. Affected: yes. Observed: 1 variant allele.

Literature cited by the submitters: PubMed 16199547 (cited by Labcorp Genetics (formerly Invitae), Labcorp); PubMed 24334604 (cited by Labcorp Genetics (formerly Invitae), Labcorp); PubMed 28973083 (cited by Labcorp Genetics (formerly Invitae), Labcorp).

NM_004370.6(COL12A1):c.7519+1G>A

Gene: COL12A1 (collagen type XII alpha 1 chain; minus strand). Cytogenetic location: 6q13.
Variant type: single nucleotide variant.
Coding change: c.7519+1G>A on transcript NM_004370.6 (MANE Select); the canonical splice donor site of the intron after coding-DNA position 7519, G replaced by A.
Molecular consequence: splice donor variant.
Genome position (GRCh38, 1-based): chr6:75,117,381, C>T on the plus strand (G>A on the coding strand, the complement: COL12A1 is on the minus strand). VCF-style: chr6-75117381-C-T. GRCh37 (hg19) VCF-style: chr6-75827097-C-T.
Other names: c.4027+1G>A (NM_080645.3).
Identifiers: ClinVar variation 425389 (VCV000425389.45), dbSNP rs1064797326, ClinGen allele CA16621843.
Genomic context (GRCh38, chr6:75,117,381, plus strand): 5'-CTACTAAGTAATTGTTTTTCAGAATAAGTGAGGTTATAGATCCATGTTGACTGTGACTTA[C>T]TTGAAGTGGCAGTTTCACAAACAAATGTAATAAGATTGTCTTCGATCTTCTCAAAAGATT-3'